The following is an entry in ClinVar:

NC_000016.10:g.23603162_(23608013_23614003)del

Gene: PALB2 (partner and localizer of BRCA2; minus strand). Cytogenetic location: 16p12.2.
Variant type: Deletion.
Identifiers: ClinVar variation 830198 (VCV000830198.1).

ClinVar aggregate classification (germline): Pathogenic (0 of 4 stars; one submission).

Submission:

Leiden Open Variation Database
Classification: Pathogenic. Last evaluated: 2019-05-13. Review status: no assertion criteria provided. Collection method: curation. Allele origin: germline. Affected: yes.
Comment: Curators: Marc Tischkowitz, Arleen D. Auerbach. Submitter to LOVD: Marc Tischkowitz.

Literature cited by the submitters: PubMed 19635604.